The following is an entry in ClinVar:

NM_001365951.3(KIF1B):c.4947-11C>G

Gene: KIF1B (kinesin family member 1B; plus strand). Cytogenetic location: 1p36.22.
Variant type: single nucleotide variant.
Coding change: c.4947-11C>G on transcript NM_001365951.3 (MANE Select); 11 bases into the intron before coding-DNA position 4947, C replaced by G.
Molecular consequence: intron variant.
Genome position (GRCh38, 1-based): chr1:10,374,305, C>G. VCF-style: chr1-10374305-C-G. GRCh37 (hg19) VCF-style: chr1-10434363-C-G.
Other names: c.4809-11C>G (NM_015074.3); c.4947-11C>G (NM_001365952.1).
Identifiers: ClinVar variation 1559417 (VCV001559417.9), dbSNP rs761028018, ClinGen allele CA582233.
Genomic context (GRCh38, chr1:10,374,305, plus strand): 5'-AGTACTCAGTATGCCTTGATTGTAACTGATTCTCTTGTTACCCTTTTCTTTCTAATCTCT[C>G]TATTTTAAAGGACCCCAGAAGCCAATTCCCGGGCCTCTAGTCCCTGCCCAGAATTTGAAC-3'

ClinVar aggregate classification (germline): Likely benign. Review status: criteria provided, multiple submitters, no conflicts (2 of 4 stars). 2 submissions from 2 submitters: Likely benign (2). Last evaluated 2025-06-11.

Conditions:
Charcot-Marie-Tooth disease type 2. Also called: Charcot-Marie-Tooth type 2. Identifiers: Orphanet 64746, MedGen C0270914, MONDO:0018993.

Allele frequency attached by ClinVar (database versions not stated): TOPMed 0.00005; ExAC 0.00004; gnomAD exomes 0.00006; gnomAD 0.00002.
gnomAD v4.1: 19 of 1,613,206 alleles (0.0012%); highest among the groups gnomAD compares: Admixed American, 0.032%; no homozygotes.

Submissions (2):

Labcorp Genetics (formerly Invitae), Labcorp
Classification: Likely benign for Charcot-Marie-Tooth disease type 2. Last evaluated: 2025-06-11. Review status: criteria provided, single submitter. Criteria: Invitae Variant Classification Sherloc (09022015). Collection method: clinical testing. Allele origin: germline.

Women's Health and Genetics/Laboratory Corporation of America, LabCorp
Classification: Likely benign. Last evaluated: 2023-11-09. Review status: criteria provided, single submitter. Criteria: LabCorp Variant Classification Summary - May 2015. Collection method: clinical testing. Allele origin: germline.
Comment: Variant summary: KIF1B c.4809-11C>G alters a non-conserved nucleotide located at a position not widely known to affect splicing. Consensus agreement among computation tools predict no significant impact on normal splicing. However, these predictions have yet to be confirmed by functional studies. The variant allele was found at a frequency of 6e-05 in 250324 control chromosomes (gnomAD). To our knowledge, no occurrence of c.4809-11C>G in individuals affected with KIF1B-Related Disorders and no experimental evidence demonstrating its impact on protein function have been reported. One submitter has cited a clinical-significance assessment for this variant to ClinVar after 2014 and has classified the variant as likely benign. Based on the evidence outlined above, the variant was classified as likely benign.